The following is an entry in ClinVar:

ClinVar aggregate classification (germline): Pathogenic/Likely pathogenic. Review status: criteria provided, multiple submitters, no conflicts (2 of 4 stars). 2 submissions from 2 submitters: Pathogenic (1); Likely pathogenic (1). Last evaluated 2023-12-11.

Conditions:
Glycogen storage disease, type II (IOPD). Also called: CARDIOMEGALIA GLYCOGENICA DIFFUSA; GLYCOGENOSIS, GENERALIZED, CARDIAC FORM; GSD II; POMPE DISEASE, INFANTILE-ONSET; GLYCOGEN STORAGE DISEASE II, INFANTILE-ONSET; ACID ALPHA-GLUCOSIDASE DEFICIENCY, INFANTILE-ONSET. Identifiers: Orphanet 365, MedGen C0017921, MONDO:0009290, OMIM 232300.

Submissions (2):

Revvity Omics, Revvity
Classification: Pathogenic. Last evaluated: 2023-12-11. Review status: criteria provided, single submitter. Criteria: ACMG Guidelines, 2015. Collection method: clinical testing. Allele origin: germline.

Myriad Genetics, Inc.
Classification: Likely pathogenic for Glycogen storage disease, type II. Last evaluated: 2019-05-26. Review status: criteria provided, single submitter. Criteria: Myriad Women's Health Autosomal Recessive and X-Linked Classification Criteria (2019). Collection method: clinical testing. Allele origin: unknown.
Comment: NM_000152.3(GAA):c.1547G>A(W516*) is expected to be pathogenic in the context of Pompe disease. This variant is predicted to lead to an abnormal or absent protein product due to the creation of a premature termination codon in GAA, a gene where loss-of-function variants are known to be pathogenic. Please note: this variant was assessed in the context of healthy population screening.

NM_000152.5(GAA):c.1547G>A (p.Trp516Ter)

Gene: GAA (alpha glucosidase; plus strand). Cytogenetic location: 17q25.3.
Variant type: single nucleotide variant.
Coding change: c.1547G>A on transcript NM_000152.5 (MANE Select); coding-DNA position 1547, G replaced by A.
Protein change: p.Trp516Ter; replaces tryptophan 516 with a stop codon.
Molecular consequence: nonsense.
Genome position (GRCh38, 1-based): chr17:80,110,836, G>A. VCF-style: chr17-80110836-G-A. GRCh37 (hg19) VCF-style: chr17-78084635-G-A.
Other names: c.1547G>A, p.Trp516Ter (NM_001079803.3, NM_001079804.3); short protein forms W516*.
Identifiers: ClinVar variation 983721 (VCV000983721.7), dbSNP rs2039217093, ClinGen allele CA401367155.